The following is an entry in ClinVar:

ClinVar aggregate classification (germline): Conflicting classifications of pathogenicity. Review status: criteria provided, conflicting classifications (1 of 4 stars). 2 submissions from 2 submitters: Uncertain significance (1); Likely benign (1). Last evaluated 2025-10-27.

Conditions:
Congenital myotonia, autosomal recessive form. Also called: Becker Generalized Myotonia; myotonia congenita, autosomal recessive; BECKER DISEASE. Identifiers: Orphanet 614, MedGen C0751360, MONDO:0009715, OMIM 255700.
Congenital myotonia, autosomal dominant form (THD). Also called: THOMSEN DISEASE; Myotonia congenita autosomal dominant. Identifiers: Orphanet 614, MedGen C2936781, MONDO:0008055, OMIM 160800.

gnomAD v4.1: 10 of 1,542,970 alleles (0.00065%); highest among the groups gnomAD compares: Middle Eastern, 0.017%; no homozygotes.

Submissions (2):

Labcorp Genetics (formerly Invitae), Labcorp
Classification: Likely benign for Congenital myotonia, autosomal recessive form; Congenital myotonia, autosomal dominant form. Last evaluated: 2025-10-27. Review status: criteria provided, single submitter. Criteria: Invitae Variant Classification Sherloc (09022015). Collection method: clinical testing. Allele origin: germline.

Centre for Mendelian Genomics, University Medical Centre Ljubljana
Classification: Uncertain significance for Congenital myotonia, autosomal recessive form. Last evaluated: 2019-09-06. Review status: criteria provided, single submitter. Criteria: ACMG Guidelines, 2015. Collection method: clinical testing. Allele origin: unknown. Affected: yes.
Comment: This variant was classified as: Uncertain significance. The available evidence on this variant's pathogenicity is insufficient or conflicting. The following ACMG criteria were applied in classifying this variant: PM2,BP4.

NM_000083.3(CLCN1):c.2284+12C>G

Gene: CLCN1 (chloride voltage-gated channel 1; plus strand). Cytogenetic location: 7q34.
Variant type: single nucleotide variant.
Coding change: c.2284+12C>G on transcript NM_000083.3 (MANE Select); 12 bases into the intron after coding-DNA position 2284, C replaced by G.
Molecular consequence: intron variant.
Genome position (GRCh38, 1-based): chr7:143,346,263, C>G. VCF-style: chr7-143346263-C-G. GRCh37 (hg19) VCF-style: chr7-143043356-C-G.
Identifiers: ClinVar variation 930544 (VCV000930544.6), dbSNP rs1472307602, ClinGen allele CA458284698.